The following is an entry in ClinVar:

NM_000539.3(RHO):c.61C>T (p.Arg21Cys)

Gene: RHO (rhodopsin; plus strand). Cytogenetic location: 3q22.1.
Variant type: single nucleotide variant.
Coding change: c.61C>T on transcript NM_000539.3 (MANE Select); coding-DNA position 61, C replaced by T.
Protein change: p.Arg21Cys; replaces arginine 21 with cysteine.
Molecular consequence: missense variant.
Genome position (GRCh38, 1-based): chr3:129,528,794, C>T. VCF-style: chr3-129528794-C-T. GRCh37 (hg19) VCF-style: chr3-129247637-C-T.
Other names: short protein forms R21C.
Identifiers: ClinVar variation 3393318 (VCV003393318.1).

ClinVar aggregate classification (germline): Uncertain significance (0 of 4 stars; one submission).

Conditions:
Retinitis pigmentosa 4 (RP4). Also called: RETINITIS PIGMENTOSA, RHODOPSIN-RELATED. Identifiers: Orphanet 791, MedGen C3151001, MONDO:0013395, OMIM 613731.

Submission:

College of Ophthalmology, Chengdu University of Traditional Chinese Medicine
Classification: Uncertain significance for Retinitis pigmentosa 4. Review status: no assertion criteria provided. Collection method: clinical testing. Allele origin: germline. Inheritance: Autosomal dominant inheritance. Affected: yes.

Literature cited by the submitters: PubMed 25221422.